The following is an entry in ClinVar:

NM_000135.4(FANCA):c.3348+2T>G

Gene: FANCA (FA complementation group A; minus strand). Cytogenetic location: 16q24.3.
Variant type: single nucleotide variant.
Coding change: c.3348+2T>G on transcript NM_000135.4 (MANE Select); the canonical splice donor site of the intron after coding-DNA position 3348, T replaced by G.
Molecular consequence: splice donor variant.
Genome position (GRCh38, 1-based): chr16:89,748,657, A>C on the plus strand (T>G on the coding strand, the complement: FANCA is on the minus strand). VCF-style: chr16-89748657-A-C. GRCh37 (hg19) VCF-style: chr16-89815065-A-C.
Other names: c.3348+2T>G (NM_001286167.3).
Identifiers: ClinVar variation 2864230 (VCV002864230.3), dbSNP rs1483121850, ClinGen allele CA397486172.

ClinVar aggregate classification (germline): Pathogenic (1 of 4 stars; one submission).

Conditions:
Fanconi anemia (FA). Also called: Fanconi's anemia. Identifiers: Orphanet 84, MedGen C0015625, MeSH D005199, MONDO:0019391.

Allele frequency attached by ClinVar (database versions not stated): TOPMed below 0.00001; gnomAD 0.00001.
gnomAD v4.1: 1 of 1,611,800 alleles (0.000062%); highest among the groups gnomAD compares: Non-Finnish European, 0.000085%; no homozygotes.

Submission:

Labcorp Genetics (formerly Invitae), Labcorp
Classification: Pathogenic for Fanconi anemia. Last evaluated: 2023-05-14. Review status: criteria provided, single submitter. Criteria: Invitae Variant Classification Sherloc (09022015). Collection method: clinical testing. Allele origin: germline.
Comment: For these reasons, this variant has been classified as Pathogenic. Algorithms developed to predict the effect of sequence changes on RNA splicing suggest that this variant may disrupt the consensus splice site. Disruption of this splice site has been observed in individuals with Fanconi anemia (PMID: 23613520, 24584348). This variant is not present in population databases (gnomAD no frequency). This sequence change affects a donor splice site in intron 33 of the FANCA gene. It is expected to disrupt RNA splicing. Variants that disrupt the donor or acceptor splice site typically lead to a loss of protein function (PMID: 16199547), and loss-of-function variants in FANCA are known to be pathogenic (PMID: 19367192).

Literature cited by the submitters: PubMed 23613520; PubMed 24584348; PubMed 16199547; PubMed 19367192.